The following is an entry in ClinVar:

ClinVar aggregate classification (germline): Uncertain significance. Review status: criteria provided, multiple submitters, no conflicts (2 of 4 stars). 2 submissions from 2 submitters: Uncertain significance (2). Last evaluated 2026-03-09.

Conditions:
Hereditary cancer-predisposing syndrome. Also called: Neoplastic Syndromes, Hereditary; Tumor predisposition; Hereditary neoplastic syndrome; Hereditary Cancer Syndrome. Identifiers: Orphanet 140162, MedGen C0027672, MeSH D009386, MONDO:0015356.

Submissions (2):

Ambry Genetics
Classification: Uncertain significance for Hereditary cancer-predisposing syndrome. Last evaluated: 2026-03-09. Review status: criteria provided, single submitter. Criteria: Ambry Variant Classification Scheme 2023. Collection method: clinical testing. Allele origin: germline.
Comment: The p.Y801C variant (also known as c.2402A>G), located in coding exon 21 of the POLE gene, results from an A to G substitution at nucleotide position 2402. The tyrosine at codon 801 is replaced by cysteine, an amino acid with highly dissimilar properties. This amino acid position is highly conserved in available vertebrate species. In addition, this alteration is predicted to be deleterious by in silico analysis. Based on the available evidence, the clinical significance of this variant remains unclear.

Labcorp Genetics (formerly Invitae), Labcorp
Classification: Uncertain significance. Last evaluated: 2025-06-25. Review status: criteria provided, single submitter. Criteria: Invitae Variant Classification Sherloc (09022015). Collection method: clinical testing. Allele origin: germline.
Comment: This sequence change replaces tyrosine, which is neutral and polar, with cysteine, which is neutral and slightly polar, at codon 801 of the POLE protein (p.Tyr801Cys). This variant is not present in population databases (gnomAD no frequency). This variant has not been reported in the literature in individuals affected with POLE-related conditions. ClinVar contains an entry for this variant (Variation ID: 405723). Invitae Evidence Modeling of protein sequence and biophysical properties (such as structural, functional, and spatial information, amino acid conservation, physicochemical variation, residue mobility, and thermodynamic stability) indicates that this missense variant is expected to disrupt POLE protein function with a positive predictive value of 80%. In summary, the available evidence is currently insufficient to determine the role of this variant in disease. Therefore, it has been classified as a Variant of Uncertain Significance.

NM_006231.4(POLE):c.2402A>G (p.Tyr801Cys)

Gene: POLE (DNA polymerase epsilon, catalytic subunit; minus strand). Cytogenetic location: 12q24.33.
Variant type: single nucleotide variant.
Coding change: c.2402A>G on transcript NM_006231.4 (MANE Select); coding-DNA position 2402, A replaced by G.
Protein change: p.Tyr801Cys; replaces tyrosine 801 with cysteine.
Molecular consequence: missense variant.
Genome position (GRCh38, 1-based): chr12:132,665,368, T>C on the plus strand (A>G on the coding strand, the complement: POLE is on the minus strand). VCF-style: chr12-132665368-T-C. GRCh37 (hg19) VCF-style: chr12-133241954-T-C.
Other names: c.2402A>G (NM_006231.2); short protein forms Y801C.
Identifiers: ClinVar variation 405723 (VCV000405723.9), dbSNP rs1060500825, ClinGen allele CA16613935.
Genomic context (GRCh38, chr12:132,665,368, plus strand): 5'-CGCATGACATAGCCATAGAAGGAGTTCAGGATGCACTTGTGGGCCAGCTGCAGCGAGTCA[T>C]ACAGCACCTCCATGTTCTTGCAGCGCTTCACCTCAGCCGCGTCGCCCACCTCCACGGCCG-3'
Protein context (NP_006222.2, residues 791-811): VKRCKNMEVL[Tyr801Cys]DSLQLAHKCI